The following is an entry in ClinVar:

ClinVar aggregate classification (germline): Conflicting classifications of pathogenicity. Review status: criteria provided, conflicting classifications (1 of 4 stars). 2 submissions from 2 submitters: Likely pathogenic (1); Uncertain significance (1). Last evaluated 2025-09-19.

Conditions:
Spermatogenic failure 34. Identifiers: MedGen C4748403, MONDO:0029148, OMIM 618153.

Allele frequency attached by ClinVar (database versions not stated): ExAC 0.00007; gnomAD exomes 0.00029 and 0.00047; gnomAD 0.00048; TOPMed 0.00052.

Submissions (2):

First Genomix Gene Laboratory, Genetic Diagnostics Department
Classification: Likely pathogenic for Spermatogenic failure 34. Last evaluated: 2025-09-19. Review status: criteria provided, single submitter. Criteria: ACMG Guidelines, 2015. Collection method: clinical testing. Allele origin: germline. Inheritance: Autosomal recessive inheritance. Affected: no. Observed: 1 variant allele.

CeGaT Center for Human Genetics Tuebingen
Classification: Uncertain significance. Last evaluated: 2022-07-01. Review status: criteria provided, single submitter. Criteria: CeGaT Center For Human Genetics Tuebingen Variant Classification Criteria Version 2. Collection method: clinical testing. Allele origin: germline. Affected: yes. Observed: 1 variant allele.

NM_173651.4(FSIP2):c.14930del (p.Val4977fs)

Gene: FSIP2 (fibrous sheath interacting protein 2; plus strand). Cytogenetic location: 2q32.1.
Variant type: Deletion.
Coding change: c.14930del on transcript NM_173651.4 (MANE Select); coding-DNA position 14930, one base deleted (T; older notation c.14930delT).
Protein change: p.Val4977fs; shifts the reading frame from valine 4977.
Molecular consequence: frameshift variant.
Genome position (GRCh38, 1-based): chr2:185,804,236, T deleted. VCF-style (leftmost placement, unchanged base first): chr2-185804235-GT-G. GRCh37 (hg19) VCF-style: chr2-186668962-GT-G.
Other names: short protein forms V4977fs.
Identifiers: ClinVar variation 1701404 (VCV001701404.31), dbSNP rs778519622, ClinGen allele CA2017093.